The following is an entry in ClinVar:

ClinVar aggregate classification (germline): Likely benign. Review status: criteria provided, multiple submitters, no conflicts (2 of 4 stars). 5 submissions from 5 submitters: Likely benign (3). 2 of the submissions do not count toward it. Last evaluated 2025-10-01.

Conditions:
UQCRC2-related disorder. Also called: UQCRC2-related condition.

Allele frequency attached by ClinVar (database versions not stated): 1000 Genomes Project 30x 0.00016; 1000 Genomes Project 0.00020; ESP Exome Variant Server 0.00046; TOPMed 0.00058; gnomAD 0.00060 and 0.00063; gnomAD exomes 0.00060; ExAC 0.00064.
gnomAD v4.1: 1,596 of 1,608,898 alleles (0.099%); highest among the groups gnomAD compares: Non-Finnish European, 0.13%; 2 homozygotes.

Submissions (5):

CeGaT Center for Human Genetics Tuebingen
Classification: Likely benign. Last evaluated: 2025-10-01. Review status: criteria provided, single submitter. Criteria: CeGaT Center For Human Genetics Tuebingen Variant Classification Criteria Version 2. Collection method: clinical testing. Allele origin: germline. Affected: yes. Observed: 1 variant allele.
Comment: UQCRC2: BP4, BP7

Labcorp Genetics (formerly Invitae), Labcorp
Classification: Likely benign. Last evaluated: 2025-05-18. Review status: criteria provided, single submitter. Criteria: Invitae Variant Classification Sherloc (09022015). Collection method: clinical testing. Allele origin: germline.

GeneDx
Classification: Likely benign. Last evaluated: 2021-05-18. Review status: criteria provided, single submitter. Criteria: GeneDx Variant Classification Process June 2021. Collection method: clinical testing. Allele origin: germline. Affected: yes.

PreventionGenetics, part of Exact Sciences
Classification: Likely benign for UQCRC2-related condition. Last evaluated: 2019-10-29. Review status: no assertion criteria provided. Collection method: clinical testing. Allele origin: germline. Not counted in ClinVar's aggregate classification.
Comment: This variant is classified as likely benign based on ACMG/AMP sequence variant interpretation guidelines (Richards et al. 2015 PMID: 25741868, with internal and published modifications).

Mayo Clinic Laboratories, Mayo Clinic
Classification: Likely benign. Last evaluated: 2017-11-08. Review status: no assertion criteria provided. Collection method: clinical testing. Allele origin: unknown. Not counted in ClinVar's aggregate classification.

NM_003366.4(UQCRC2):c.582C>T (p.Asp194=)

Genes: PDZD9 (PDZ domain containing 9), UQCRC2 (ubiquinol-cytochrome c reductase core protein 2). Cytogenetic location: 16p12.2.
Variant type: single nucleotide variant.
Coding change: c.582C>T on transcript NM_003366.4 (MANE Select); coding-DNA position 582, C replaced by T.
Protein change: p.Asp194=; no amino-acid change (aspartic acid 194 retained).
Molecular consequence: synonymous variant.
Genome position (GRCh38, 1-based): chr16:21,965,475, C>T. VCF-style: chr16-21965475-C-T. GRCh37 (hg19) VCF-style: chr16-21976796-C-T.
Other names: c.582C>T (NM_003366.3).
Identifiers: ClinVar variation 387755 (VCV000387755.22), dbSNP rs146640786, ClinGen allele CA7953797.